The following is an entry in ClinVar:

ClinVar aggregate classification (germline): Likely benign. Review status: criteria provided, multiple submitters, no conflicts (2 of 4 stars). 3 submissions from 3 submitters: Likely benign (2). 1 of the submissions does not count toward it. Last evaluated 2018-05-03.

Conditions:
CLIP1-related disorder. Also called: CLIP1-related condition.

Allele frequency attached by ClinVar (database versions not stated): ExAC 0.00013; gnomAD 0.00035 and 0.00039; TOPMed 0.00045; ESP Exome Variant Server 0.00062; gnomAD exomes 0.00003 and 0.00010.
gnomAD v4.1: 96 of 1,598,664 alleles (0.006%); highest among the groups gnomAD compares: African/African-American, 0.13%; no homozygotes.

Submissions (3):

Labcorp Genetics (formerly Invitae), Labcorp
Classification: Likely benign. Last evaluated: 2018-05-03. Review status: criteria provided, single submitter. Criteria: Invitae Variant Classification Sherloc (09022015). Collection method: clinical testing. Allele origin: germline.

Genetic Services Laboratory, University of Chicago
Classification: Likely benign. Last evaluated: 2017-01-18. Review status: criteria provided, single submitter. Criteria: ACMG Guidelines, 2015. Collection method: clinical testing. Allele origin: germline. Affected: no.

PreventionGenetics, part of Exact Sciences
Classification: Likely benign for CLIP1-related condition. Last evaluated: 2019-08-13. Review status: no assertion criteria provided. Collection method: clinical testing. Allele origin: germline. Not counted in ClinVar's aggregate classification.
Comment: This variant is classified as likely benign based on ACMG/AMP sequence variant interpretation guidelines (Richards et al. 2015 PMID: 25741868, with internal and published modifications).

NM_001247997.2(CLIP1):c.2553A>G (p.Lys851=)

Gene: CLIP1 (CAP-Gly domain containing linker protein 1; minus strand). Cytogenetic location: 12q24.31.
Variant type: single nucleotide variant.
Coding change: c.2553A>G on transcript NM_001247997.2 (MANE Select); coding-DNA position 2553, A replaced by G.
Protein change: p.Lys851=; no amino-acid change (lysine 851 retained).
Molecular consequence: synonymous variant.
Genome position (GRCh38, 1-based): chr12:122,336,647, T>C on the plus strand (A>G on the coding strand, the complement: CLIP1 is on the minus strand). VCF-style: chr12-122336647-T-C. GRCh37 (hg19) VCF-style: chr12-122821194-T-C.
Other names: c.2415A>G, p.Lys805= (NM_001389291.1, NM_198240.3); c.2520A>G, p.Lys840= (NM_002956.3).
Identifiers: ClinVar variation 434779 (VCV000434779.11), dbSNP rs137857498, ClinGen allele CA6845344.